The following is an entry in ClinVar:

ClinVar aggregate classification (germline): Uncertain significance (1 of 4 stars; one submission).

Submission:

GeneDx
Classification: Uncertain significance. Last evaluated: 2022-11-09. Review status: criteria provided, single submitter. Criteria: GeneDx Variant Classification Process June 2021. Collection method: clinical testing. Allele origin: germline. Affected: yes.
Comment: In silico analysis supports that this missense variant has a deleterious effect on protein structure/function; Has not been previously published as pathogenic or benign to our knowledge

NM_001127222.2(CACNA1A):c.2330G>A (p.Arg777Gln)

Gene: CACNA1A (calcium voltage-gated channel subunit alpha1 A; minus strand). Cytogenetic location: 19p13.13.
Variant type: single nucleotide variant.
Coding change: c.2330G>A on transcript NM_001127222.2 (MANE Select); coding-DNA position 2330, G replaced by A.
Protein change: p.Arg777Gln; replaces arginine 777 with glutamine.
Molecular consequence: missense variant.
Genome position (GRCh38, 1-based): chr19:13,299,303, C>T on the plus strand (G>A on the coding strand, the complement: CACNA1A is on the minus strand). VCF-style: chr19-13299303-C-T. GRCh37 (hg19) VCF-style: chr19-13410117-C-T.
Other names: c.2342G>A, p.Arg781Gln (NM_000068.4, NM_023035.3); c.2333G>A, p.Arg778Gln (NM_001127221.2, NM_001174080.2); short protein forms R777Q, R778Q, R781Q.
Identifiers: ClinVar variation 2501839 (VCV002501839.1), dbSNP rs1481042552, ClinGen allele CA404343691.
Genomic context (GRCh38, chr19:13,299,303, plus strand): 5'-ATTTCGTTATACAGGGCCTCCCGGCTGGCCAGCAAGTTCTGCTTTCGCATCTCACTGGTC[C>T]GCTGCTCCCACACGGACTTGGCTGGCTTTTGATTCTTCTGTTGCTCTTTCCTGCAGTGGC-3'
Protein context (NP_001120694.1, residues 767-787): QKPAKSVWEQ[Arg777Gln]TSEMRKQNLL